The following is an entry in ClinVar:

NM_000395.3(CSF2RB):c.961G>A (p.Val321Ile)

Gene: CSF2RB (colony stimulating factor 2 receptor subunit beta; plus strand). Cytogenetic location: 22q12.3.
Variant type: single nucleotide variant.
Coding change: c.961G>A on transcript NM_000395.3 (MANE Select); coding-DNA position 961, G replaced by A.
Protein change: p.Val321Ile; replaces valine 321 with isoleucine.
Molecular consequence: missense variant.
Genome position (GRCh38, 1-based): chr22:36,930,779, G>A. VCF-style: chr22-36930779-G-A. GRCh37 (hg19) VCF-style: chr22-37326821-G-A.
Other names: short protein forms V321I.
Identifiers: ClinVar variation 1465502 (VCV001465502.8), dbSNP rs368230425, ClinGen allele CA10213655.

ClinVar aggregate classification (germline): Uncertain significance (1 of 4 stars; one submission).

Allele frequency attached by ClinVar (database versions not stated): gnomAD exomes 0.00003 and 0.00014; gnomAD 0.00007; ESP Exome Variant Server 0.00008; TOPMed 0.00010; 1000 Genomes Project 30x 0.00016; ExAC 0.00018; 1000 Genomes Project 0.00020.
gnomAD v4.1: 59 of 1,614,052 alleles (0.0037%); highest among the groups gnomAD compares: East Asian, 0.094%; no homozygotes.

Submission:

Labcorp Genetics (formerly Invitae), Labcorp
Classification: Uncertain significance. Last evaluated: 2024-09-01. Review status: criteria provided, single submitter. Criteria: Invitae Variant Classification Sherloc (09022015). Collection method: clinical testing. Allele origin: germline.
Comment: This sequence change replaces valine, which is neutral and non-polar, with isoleucine, which is neutral and non-polar, at codon 321 of the CSF2RB protein (p.Val321Ile). This variant is present in population databases (rs368230425, gnomAD 0.2%), and has an allele count higher than expected for a pathogenic variant. This variant has not been reported in the literature in individuals affected with CSF2RB-related conditions. ClinVar contains an entry for this variant (Variation ID: 1465502). Invitae Evidence Modeling of protein sequence and biophysical properties (such as structural, functional, and spatial information, amino acid conservation, physicochemical variation, residue mobility, and thermodynamic stability) indicates that this missense variant is not expected to disrupt CSF2RB protein function with a negative predictive value of 80%. In summary, the available evidence is currently insufficient to determine the role of this variant in disease. Therefore, it has been classified as a Variant of Uncertain Significance.